The following is an entry in ClinVar:

NM_001231.5(CASQ1):c.812G>A (p.Ser271Asn)

Gene: CASQ1 (calsequestrin 1; plus strand). Cytogenetic location: 1q23.2.
Variant type: single nucleotide variant.
Coding change: c.812G>A on transcript NM_001231.5 (MANE Select); coding-DNA position 812, G replaced by A.
Protein change: p.Ser271Asn; replaces serine 271 with asparagine.
Molecular consequence: missense variant.
Genome position (GRCh38, 1-based): chr1:160,197,598, G>A. VCF-style: chr1-160197598-G-A. GRCh37 (hg19) VCF-style: chr1-160167388-G-A.
Other names: short protein forms S271N.
Identifiers: ClinVar variation 3674503 (VCV003674503.2).

ClinVar aggregate classification (germline): Uncertain significance (1 of 4 stars; one submission).

gnomAD v4.1: 1 of 1,611,750 alleles (0.000062%); highest among the groups gnomAD compares: Admixed American, 0.0017%; no homozygotes.

Submission:

Labcorp Genetics (formerly Invitae), Labcorp
Classification: Uncertain significance. Last evaluated: 2025-12-08. Review status: criteria provided, single submitter. Criteria: Invitae Variant Classification Sherloc (09022015). Collection method: clinical testing. Allele origin: germline.
Comment: This sequence change replaces serine, which is neutral and polar, with asparagine, which is neutral and polar, at codon 271 of the CASQ1 protein (p.Ser271Asn). This variant is present in population databases (no rsID available, gnomAD 0.003%). This variant has not been reported in the literature in individuals affected with CASQ1-related conditions. ClinVar contains an entry for this variant (Variation ID: 3674503). Invitae Evidence Modeling of protein sequence and biophysical properties (such as structural, functional, and spatial information, amino acid conservation, physicochemical variation, residue mobility, and thermodynamic stability) indicates that this missense variant is not expected to disrupt CASQ1 protein function with a negative predictive value of 80%. In summary, the available evidence is currently insufficient to determine the role of this variant in disease. Therefore, it has been classified as a Variant of Uncertain Significance.